The following is an entry in ClinVar:

ClinVar aggregate classification (germline): Uncertain significance. Review status: criteria provided, multiple submitters, no conflicts (2 of 4 stars). 3 submissions from 3 submitters: Uncertain significance (3). Last evaluated 2024-06-12.

Conditions:
Donnai-Barrow syndrome. Also called: DBS/FOAR SYNDROME; FACIOOCULOACOUSTICORENAL SYNDROME. Identifiers: Orphanet 2143, MedGen C1857277, MONDO:0009104, OMIM 222448.

Allele frequency attached by ClinVar (database versions not stated): ExAC 0.00002; gnomAD 0.00006; ESP Exome Variant Server 0.00008; TOPMed 0.00008.
gnomAD v4.1: 249 of 1,614,036 alleles (0.015%); highest among the groups gnomAD compares: Non-Finnish European, 0.02%; no homozygotes.

Submissions (3):

Fulgent Genetics
Classification: Uncertain significance for Donnai-Barrow syndrome. Last evaluated: 2024-06-12. Review status: criteria provided, single submitter. Criteria: ACMG Guidelines, 2015. Collection method: clinical testing. Allele origin: germline.

GeneDx
Classification: Uncertain significance. Last evaluated: 2022-12-12. Review status: criteria provided, single submitter. Criteria: GeneDx Variant Classification Process June 2021. Collection method: clinical testing. Allele origin: germline. Affected: yes.
Comment: In silico analysis supports that this missense variant does not alter protein structure/function; Has not been previously published as pathogenic or benign to our knowledge

Labcorp Genetics (formerly Invitae), Labcorp
Classification: Uncertain significance. Last evaluated: 2022-05-09. Review status: criteria provided, single submitter. Criteria: Invitae Variant Classification Sherloc (09022015). Collection method: clinical testing. Allele origin: germline.
Comment: This sequence change replaces valine, which is neutral and non-polar, with isoleucine, which is neutral and non-polar, at codon 2421 of the LRP2 protein (p.Val2421Ile). This variant is present in population databases (rs138673723, gnomAD 0.008%). This variant has not been reported in the literature in individuals affected with LRP2-related conditions. Advanced modeling of protein sequence and biophysical properties (such as structural, functional, and spatial information, amino acid conservation, physicochemical variation, residue mobility, and thermodynamic stability) performed at Invitae indicates that this missense variant is not expected to disrupt LRP2 protein function. In summary, the available evidence is currently insufficient to determine the role of this variant in disease. Therefore, it has been classified as a Variant of Uncertain Significance.

NM_004525.3(LRP2):c.7261G>A (p.Val2421Ile)

Gene: LRP2 (LDL receptor related protein 2; minus strand). Cytogenetic location: 2q31.1.
Variant type: single nucleotide variant.
Coding change: c.7261G>A on transcript NM_004525.3 (MANE Select); coding-DNA position 7261, G replaced by A.
Protein change: p.Val2421Ile; replaces valine 2421 with isoleucine.
Molecular consequence: missense variant.
Genome position (GRCh38, 1-based): chr2:169,206,459, C>T on the plus strand (G>A on the coding strand, the complement: LRP2 is on the minus strand). VCF-style: chr2-169206459-C-T. GRCh37 (hg19) VCF-style: chr2-170062969-C-T.
Other names: short protein forms V2421I.
Identifiers: ClinVar variation 1485004 (VCV001485004.8), dbSNP rs138673723, ClinGen allele CA1954148.